The following is an entry in ClinVar:

ClinVar aggregate classification (germline): Uncertain significance. Review status: criteria provided, multiple submitters, no conflicts (2 of 4 stars). 2 submissions from 2 submitters: Uncertain significance (2). Last evaluated 2022-05-10.

Submissions (2):

Labcorp Genetics (formerly Invitae), Labcorp
Classification: Uncertain significance. Last evaluated: 2022-05-10. Review status: criteria provided, single submitter. Criteria: Invitae Variant Classification Sherloc (09022015). Collection method: clinical testing. Allele origin: germline.
Comment: In summary, the available evidence is currently insufficient to determine the role of this variant in disease. Therefore, it has been classified as a Variant of Uncertain Significance. Advanced modeling of protein sequence and biophysical properties (such as structural, functional, and spatial information, amino acid conservation, physicochemical variation, residue mobility, and thermodynamic stability) performed at Invitae indicates that this missense variant is expected to disrupt MYO7A protein function. This variant has not been reported in the literature in individuals affected with MYO7A-related conditions. This variant is not present in population databases (gnomAD no frequency). This sequence change replaces leucine, which is neutral and non-polar, with phenylalanine, which is neutral and non-polar, at codon 1366 of the MYO7A protein (p.Leu1366Phe).

Blueprint Genetics
Classification: Uncertain significance. Last evaluated: 2021-09-10. Review status: criteria provided, single submitter. Criteria: ACMG Guidelines, 2015. Collection method: clinical testing. Allele origin: germline.

NM_000260.4(MYO7A):c.4096C>T (p.Leu1366Phe)

Gene: MYO7A (myosin VIIA; plus strand). Cytogenetic location: 11q13.5.
Variant type: single nucleotide variant.
Coding change: c.4096C>T on transcript NM_000260.4 (MANE Select); coding-DNA position 4096, C replaced by T.
Protein change: p.Leu1366Phe; replaces leucine 1366 with phenylalanine.
Molecular consequence: missense variant.
Genome position (GRCh38, 1-based): chr11:77,192,222, C>T. VCF-style: chr11-77192222-C-T. GRCh37 (hg19) VCF-style: chr11-76903267-C-T.
Other names: c.4096C>T, p.Leu1366Phe (NM_001127180.2); c.4063C>T, p.Leu1355Phe (NM_001369365.1); short protein forms L1355F, L1366F.
Identifiers: ClinVar variation 1953962 (VCV001953962.6), dbSNP rs2497413010, ClinGen allele CA381948935.